The following is an entry in ClinVar:

NM_033225.6(CSMD1):c.9222C>T (p.Ser3074=)

Genes: CSMD1 (CUB and Sushi multiple domains 1; minus strand), LOC105377785 (uncharacterized LOC105377785; plus strand). Cytogenetic location: 8p23.2.
Variant type: single nucleotide variant.
Coding change: c.9222C>T on transcript NM_033225.6 (MANE Select); coding-DNA position 9222, C replaced by T.
Protein change: p.Ser3074=; no amino-acid change (serine 3074 retained).
Molecular consequence: synonymous variant.
Genome position (GRCh38, 1-based): chr8:2,965,833, G>A on the plus strand (C>T on the coding strand, the complement: CSMD1 is on the minus strand). VCF-style: chr8-2965833-G-A. GRCh37 (hg19) VCF-style: chr8-2823355-G-A.
Identifiers: ClinVar variation 3351876 (VCV003351876.1).

ClinVar aggregate classification (germline): Likely benign (0 of 4 stars; one submission).

Conditions:
CSMD1-related disorder. Also called: CSMD1-related condition.

gnomAD v4.1: 14 of 1,608,756 alleles (0.00087%); highest among the groups gnomAD compares: Admixed American, 0.0017%; no homozygotes.

Submission:

PreventionGenetics, part of Exact Sciences
Classification: Likely benign for CSMD1-related condition. Last evaluated: 2019-07-01. Review status: no assertion criteria provided. Collection method: clinical testing. Allele origin: germline.
Comment: This variant is classified as likely benign based on ACMG/AMP sequence variant interpretation guidelines (Richards et al. 2015 PMID: 25741868, with internal and published modifications).